The following is an entry in ClinVar:

ClinVar aggregate classification (germline): Pathogenic. Review status: criteria provided, single submitter (1 of 4 stars). 2 submissions from 2 submitters: Pathogenic (1). 1 of the submissions does not count toward it. Last evaluated 2023-08-11.

Conditions:
Hereditary breast ovarian cancer syndrome. Also called: Hereditary breast and ovarian cancer syndrome (HBOC); Hereditary breast and ovarian cancer syndrome; Hereditary breast and ovarian cancer; Hereditary breast and/or ovarian cancer syndrome; Breast and ovarian cancer; BRCA1- and BRCA2-Associated Hereditary Breast and Ovarian Cancer. Identifiers: Orphanet 145, MedGen C0677776, MeSH D061325, MONDO:0003582. Disease mechanism: loss of function.
Breast-ovarian cancer, familial, susceptibility to, 1 (BROVCA1). Also called: OVARIAN CANCER, SUSCEPTIBILITY TO; BRCA1 Hereditary Breast and Ovarian Cancer. Identifiers: Orphanet 145, MedGen C2676676, MONDO:0011450, OMIM 604370. Disease mechanism: loss of function.

Submissions (2):

Labcorp Genetics (formerly Invitae), Labcorp
Classification: Pathogenic for Hereditary breast ovarian cancer syndrome. Last evaluated: 2023-08-11. Review status: criteria provided, single submitter. Criteria: Invitae Variant Classification Sherloc (09022015). Collection method: clinical testing. Allele origin: germline.
Comment: For these reasons, this variant has been classified as Pathogenic. ClinVar contains an entry for this variant (Variation ID: 37492). This variant has not been reported in the literature in individuals affected with BRCA1-related conditions. This variant is not present in population databases (gnomAD no frequency). This sequence change creates a premature translational stop signal (p.Ser956Ilefs*15) in the BRCA1 gene. It is expected to result in an absent or disrupted protein product. Loss-of-function variants in BRCA1 are known to be pathogenic (PMID: 20104584).

Sharing Clinical Reports Project (SCRP)
Classification: Pathogenic for Breast-ovarian cancer, familial 1. Last evaluated: 2008-06-05. Review status: no assertion criteria provided. Collection method: clinical testing. Allele origin: germline. Not counted in ClinVar's aggregate classification.

Literature cited by the submitters: PubMed 20104584 (cited by Labcorp Genetics (formerly Invitae), Labcorp).

NM_007294.4(BRCA1):c.2864_2865insT (p.Ser956fs)

Gene: BRCA1 (BRCA1 DNA repair associated; minus strand). Cytogenetic location: 17q21.31.
Variant type: Insertion.
Coding change: c.2864_2865insT on transcript NM_007294.4 (MANE Select); coding-DNA positions 2864 to 2865, T inserted.
Protein change: p.Ser956fs; shifts the reading frame from serine 956.
Molecular consequence: frameshift variant. On other transcripts: intron variant (137).
Genome position: GRCh38 VCF-style: chr17-43092666-T-TA. GRCh37 (hg19) VCF-style: chr17-41244683-T-TA.
Other names: 2983insT; c.2531_2532insT, p.Ser845fs (NM_001407949.1, NM_001407950.1, NM_001407951.1 and 6 more transcripts); c.2528_2529insT, p.Ser844fs (NM_001407954.1, NM_001407955.1, NM_001407956.1 and 1 more transcripts); c.2483_2484insT, p.Ser829fs (NM_001407959.1, NM_001407960.1, NM_001407963.1); c.2480_2481insT, p.Ser828fs (NM_001407962.1); c.2720_2721insT, p.Ser908fs (NM_001407964.1, NM_001407740.1, NM_001407741.1 and 20 more transcripts); c.2360_2361insT, p.Ser788fs (NM_001407965.1); c.1976_1977insT, p.Ser660fs (NM_001407966.1, NM_001407967.1); and 42 more; short protein forms S909fs, S956fs, S788fs, S868fs, S886fs, S914fs, S660fs, S867fs.
Identifiers: ClinVar variation 37492 (VCV000037492.8), dbSNP rs397507205, ClinGen allele CA001865.